The following is an entry in ClinVar:

NM_004370.6(COL12A1):c.547C>G (p.Gln183Glu)

Gene: COL12A1 (collagen type XII alpha 1 chain; minus strand). Cytogenetic location: 6q13.
Variant type: single nucleotide variant.
Coding change: c.547C>G on transcript NM_004370.6 (MANE Select); coding-DNA position 547, C replaced by G.
Protein change: p.Gln183Glu; replaces glutamine 183 with glutamic acid.
Molecular consequence: missense variant. On other transcripts: intron variant (2).
Genome position (GRCh38, 1-based): chr6:75,189,663, G>C on the plus strand (C>G on the coding strand, the complement: COL12A1 is on the minus strand). VCF-style: chr6-75189663-G-C. GRCh37 (hg19) VCF-style: chr6-75899379-G-C.
Other names: c.547C>G, p.Gln183Glu (NM_001424113.1, NM_001424114.1, NM_001424115.1); c.73+13057C>G (NM_001424116.1, NM_080645.3); short protein forms Q183E.
Identifiers: ClinVar variation 4535565 (VCV004535565.1).

ClinVar aggregate classification (germline): Uncertain significance (1 of 4 stars; one submission).

gnomAD v4.1: 1 of 1,613,252 alleles (0.000062%); highest among the groups gnomAD compares: Admixed American, 0.0017%; no homozygotes.

Submission:

Women's Health and Genetics/Laboratory Corporation of America, LabCorp
Classification: Uncertain significance. Last evaluated: 2025-09-12. Review status: criteria provided, single submitter. Criteria: LabCorp Variant Classification Summary - May 2015. Collection method: clinical testing. Allele origin: germline.
Comment: Variant summary: COL12A1 c.547C>G (p.Gln183Glu) results in a conservative amino acid change in the encoded protein sequence. Algorithms developed to predict the effect of missense changes on protein structure and function are either unavailable or do not agree on the potential impact of this missense change. The variant allele was found at a frequency of 4e-06 in 249050 control chromosomes. The available data on variant occurrences in the general population are insufficient to allow any conclusion about variant significance. To our knowledge, no occurrence of c.547C>G in individuals affected with COL12A1-related conditions and no experimental evidence demonstrating its impact on protein function have been reported. No submitters have cited clinical-significance assessments for this variant to ClinVar. Based on the evidence outlined above, the variant was classified as uncertain significance.